The following is an entry in ClinVar:

NM_001312909.2(FAM111A):c.455A>G (p.Gln152Arg)

Gene: FAM111A (FAM111 trypsin like peptidase A; plus strand). Cytogenetic location: 11q12.1.
Variant type: single nucleotide variant.
Coding change: c.455A>G on transcript NM_001312909.2 (MANE Select); coding-DNA position 455, A replaced by G.
Protein change: p.Gln152Arg; replaces glutamine 152 with arginine.
Molecular consequence: missense variant.
Genome position (GRCh38, 1-based): chr11:59,152,123, A>G. VCF-style: chr11-59152123-A-G. GRCh37 (hg19) VCF-style: chr11-58919596-A-G.
Other names: c.455A>G, p.Gln152Arg (NM_001369457.1, NM_001374804.1, NM_001374848.1 and 29 more transcripts); short protein forms Q152R.
Identifiers: ClinVar variation 4760305 (VCV004760305.1).

ClinVar aggregate classification (germline): Uncertain significance (1 of 4 stars; one submission).

Submission:

Labcorp Genetics (formerly Invitae), Labcorp
Classification: Uncertain significance. Last evaluated: 2025-02-15. Review status: criteria provided, single submitter. Criteria: Invitae Variant Classification Sherloc (09022015). Collection method: clinical testing. Allele origin: germline.
Comment: This sequence change replaces glutamine, which is neutral and polar, with arginine, which is basic and polar, at codon 152 of the FAM111A protein (p.Gln152Arg). This variant is not present in population databases (gnomAD no frequency). This variant has not been reported in the literature in individuals affected with FAM111A-related conditions. Invitae Evidence Modeling of protein sequence and biophysical properties (such as structural, functional, and spatial information, amino acid conservation, physicochemical variation, residue mobility, and thermodynamic stability) indicates that this missense variant is not expected to disrupt FAM111A protein function with a negative predictive value of 80%. In summary, the available evidence is currently insufficient to determine the role of this variant in disease. Therefore, it has been classified as a Variant of Uncertain Significance.